The following is an entry in ClinVar:

ClinVar aggregate classification (germline): Uncertain significance. Review status: criteria provided, multiple submitters, no conflicts (2 of 4 stars). 3 submissions from 3 submitters: Uncertain significance (2). 1 of the submissions does not count toward it. Last evaluated 2024-03-28.

Submissions (3):

Labcorp Genetics (formerly Invitae), Labcorp
Classification: Uncertain significance. Last evaluated: 2024-03-28. Review status: criteria provided, single submitter. Criteria: Invitae Variant Classification Sherloc (09022015). Collection method: clinical testing. Allele origin: germline.
Comment: This sequence change replaces arginine, which is basic and polar, with proline, which is neutral and non-polar, at codon 1820 of the ABCA4 protein (p.Arg1820Pro). This variant is present in population databases (rs62646875, gnomAD 0.006%). This missense change has been observed in individual(s) with Stargardt disease (PMID: 9973280, 28559085). ClinVar contains an entry for this variant (Variation ID: 99374). Algorithms developed to predict the effect of missense changes on protein structure and function output the following: SIFT: "Not Available"; PolyPhen-2: "Benign"; Align-GVGD: "Not Available". The proline amino acid residue is found in multiple mammalian species, which suggests that this missense change does not adversely affect protein function. In summary, the available evidence is currently insufficient to determine the role of this variant in disease. Therefore, it has been classified as a Variant of Uncertain Significance.

Blueprint Genetics
Classification: Uncertain significance. Last evaluated: 2018-12-14. Review status: criteria provided, single submitter. Criteria: ACMG Guidelines, 2015. Collection method: clinical testing. Allele origin: germline.

Retina International
No classification provided. Review status: no classification provided. Collection method: not provided. Allele origin: not provided. Not counted in ClinVar's aggregate classification.

Literature cited by the submitters: PubMed 9973280 (cited by Labcorp Genetics (formerly Invitae), Labcorp); PubMed 28559085 (cited by Labcorp Genetics (formerly Invitae), Labcorp).

NM_000350.3(ABCA4):c.5459G>C (p.Arg1820Pro)

Gene: ABCA4 (ATP binding cassette subfamily A member 4; minus strand). Cytogenetic location: 1p22.1.
Variant type: single nucleotide variant.
Coding change: c.5459G>C on transcript NM_000350.3 (MANE Select); coding-DNA position 5459, G replaced by C.
Protein change: p.Arg1820Pro; replaces arginine 1820 with proline.
Molecular consequence: missense variant.
Genome position (GRCh38, 1-based): chr1:94,014,544, C>G on the plus strand (G>C on the coding strand, the complement: ABCA4 is on the minus strand). VCF-style: chr1-94014544-C-G. GRCh37 (hg19) VCF-style: chr1-94480100-C-G.
Other names: c.5237G>C, p.Arg1746Pro (NM_001425324.1); short protein forms R1820P, R1746P.
Identifiers: ClinVar variation 99374 (VCV000099374.11), dbSNP rs62646875, ClinGen allele CA227307.